The following is an entry in ClinVar:

ClinVar aggregate classification (germline): Uncertain significance (1 of 4 stars; one submission).

Submission:

Labcorp Genetics (formerly Invitae), Labcorp
Classification: Uncertain significance. Last evaluated: 2025-04-09. Review status: criteria provided, single submitter. Criteria: Invitae Variant Classification Sherloc (09022015). Collection method: clinical testing. Allele origin: germline.
Comment: This sequence change replaces arginine, which is basic and polar, with lysine, which is basic and polar, at codon 249 of the MFSD2A protein (p.Arg249Lys). This variant is not present in population databases (gnomAD no frequency). This variant has not been reported in the literature in individuals affected with MFSD2A-related conditions. An algorithm developed to predict the effect of missense changes on protein structure and function outputs the following: PolyPhen-2: "Benign". The lysine amino acid residue is found in multiple mammalian species, which suggests that this missense change does not adversely affect protein function. In summary, the available evidence is currently insufficient to determine the role of this variant in disease. Therefore, it has been classified as a Variant of Uncertain Significance.

NM_032793.5(MFSD2A):c.707G>A (p.Arg236Lys)

Gene: MFSD2A (MFSD2 lysolipid transporter A, lysophospholipid; plus strand). Cytogenetic location: 1p34.2.
Variant type: single nucleotide variant.
Coding change: c.707G>A on transcript NM_032793.5 (MANE Select); coding-DNA position 707, G replaced by A.
Protein change: p.Arg236Lys; replaces arginine 236 with lysine.
Molecular consequence: missense variant. On other transcripts: non-coding transcript variant (1).
Genome position (GRCh38, 1-based): chr1:39,966,007, G>A. VCF-style: chr1-39966007-G-A. GRCh37 (hg19) VCF-style: chr1-40431679-G-A.
Other names: c.746G>A, p.Arg249Lys (NM_001136493.3); c.239G>A, p.Arg80Lys (NM_001287808.2); c.596G>A, p.Arg199Lys (NM_001287809.2); c.701G>A, p.Arg234Lys (NM_001349821.2); c.707G>A, p.Arg236Lys (NM_001349822.2); c.362G>A, p.Arg121Lys (NM_001349823.2); short protein forms R199K, R234K, R80K, R236K, R121K, R249K.
Identifiers: ClinVar variation 4716639 (VCV004716639.1).